The following is an entry in ClinVar:

NM_031935.3(HMCN1):c.7451dup (p.Asn2484fs)

Gene: HMCN1 (hemicentin 1; plus strand). Cytogenetic location: 1q31.1.
Variant type: Duplication.
Coding change: c.7451dup on transcript NM_031935.3 (MANE Select); coding-DNA position 7451, one base duplicated (A; older notation c.7451dupA).
Protein change: p.Asn2484fs; shifts the reading frame from asparagine 2484.
Molecular consequence: frameshift variant.
Genome position (GRCh38, 1-based): chr1:186,062,538, A duplicated; the last of 4 consecutive A bases (chr1:186,062,535-186,062,538); duplicating any one gives the same sequence. VCF-style (leftmost placement, unchanged base first): chr1-186062534-G-GA. GRCh37 (hg19) VCF-style: chr1-186031666-G-GA.
Other names: short protein forms N2484fs.
Identifiers: ClinVar variation 1395115 (VCV001395115.6), dbSNP rs745754104, ClinGen allele CA1292843.

ClinVar aggregate classification (germline): Uncertain significance (1 of 4 stars; one submission).

Submission:

Labcorp Genetics (formerly Invitae), Labcorp
Classification: Uncertain significance. Last evaluated: 2022-06-05. Review status: criteria provided, single submitter. Criteria: Invitae Variant Classification Sherloc (09022015). Collection method: clinical testing. Allele origin: germline.
Comment: In summary, the available evidence is currently insufficient to determine the role of this variant in disease. Therefore, it has been classified as a Variant of Uncertain Significance. ClinVar contains an entry for this variant (Variation ID: 1395115). This variant has not been reported in the literature in individuals affected with HMCN1-related conditions. This variant is present in population databases (rs745754104, gnomAD 0.006%). This sequence change creates a premature translational stop signal (p.Asn2484Lysfs*19) in the HMCN1 gene. It is expected to result in an absent or disrupted protein product. However, the current clinical and genetic evidence is not sufficient to establish whether loss-of-function variants in HMCN1 cause disease.